The following is an entry in ClinVar:

ClinVar aggregate classification (germline): Uncertain significance (1 of 4 stars; one submission).

Conditions:
Spastic paraplegia. Identifiers: MedGen C0037772, HP:0001258.

Allele frequency attached by ClinVar (database versions not stated): gnomAD exomes below 0.00001.
gnomAD v4.1: 2 of 1,613,696 alleles (0.00012%); highest among the groups gnomAD compares: Non-Finnish European, 0.00017%; no homozygotes.

Submission:

Labcorp Genetics (formerly Invitae), Labcorp
Classification: Uncertain significance for Spastic paraplegia. Last evaluated: 2021-06-19. Review status: criteria provided, single submitter. Criteria: Invitae Variant Classification Sherloc (09022015). Collection method: clinical testing. Allele origin: germline.
Comment: In summary, the available evidence is currently insufficient to determine the role of this variant in disease. Therefore, it has been classified as a Variant of Uncertain Significance. Algorithms developed to predict the effect of missense changes on protein structure and function output the following: SIFT: "Deleterious"; PolyPhen-2: "Benign"; Align-GVGD: "Class C0". The arginine amino acid residue is found in multiple mammalian species, suggesting that this missense change does not adversely affect protein function. These predictions have not been confirmed by published functional studies and their clinical significance is uncertain. This variant has not been reported in the literature in individuals with CYP7B1-related conditions. This variant is not present in population databases (ExAC no frequency). This sequence change replaces lysine with arginine at codon 64 of the CYP7B1 protein (p.Lys64Arg). The lysine residue is highly conserved and there is a small physicochemical difference between lysine and arginine.

NM_004820.5(CYP7B1):c.191A>G (p.Lys64Arg)

Gene: CYP7B1 (cytochrome P450 family 7 subfamily B member 1; minus strand). Cytogenetic location: 8q12.3.
Variant type: single nucleotide variant.
Coding change: c.191A>G on transcript NM_004820.5 (MANE Select); coding-DNA position 191, A replaced by G.
Protein change: p.Lys64Arg; replaces lysine 64 with arginine.
Molecular consequence: missense variant.
Genome position (GRCh38, 1-based): chr8:64,624,471, T>C on the plus strand (A>G on the coding strand, the complement: CYP7B1 is on the minus strand). VCF-style: chr8-64624471-T-C. GRCh37 (hg19) VCF-style: chr8-65537028-T-C.
Other names: c.191A>G, p.Lys64Arg (NM_001324112.2); short protein forms K64R.
Identifiers: ClinVar variation 1368636 (VCV001368636.8), dbSNP rs2129630430, ClinGen allele CA371338630.
Genomic context (GRCh38, chr8:64,624,471, plus strand): 5'-AGAACTGTGAAAGTGTCACCATGTTGCTTTTGAAGTGTTTTCATGAACCTTAAGGGGTCT[T>C]TTCGTAAGTTCAGGACCACTCCAAGATAAGGAAGCCAACCTTTTATCAATGGAGGCTCAC-3'
Protein context (NP_004811.1, residues 54-74): PYLGVVLNLR[Lys64Arg]DPLRFMKTLQ